The following is an entry in ClinVar:

ClinVar aggregate classification (germline): Pathogenic/Likely pathogenic. Review status: criteria provided, multiple submitters, no conflicts (2 of 4 stars). 2 submissions from 2 submitters: Pathogenic (1); Likely pathogenic (1). Last evaluated 2024-11-07.

Conditions:
Mitochondrial trifunctional protein deficiency. Identifiers: Orphanet 746, MedGen C1969443, MONDO:0012172.

Submissions (2):

Labcorp Genetics (formerly Invitae), Labcorp
Classification: Pathogenic for Mitochondrial trifunctional protein deficiency. Last evaluated: 2024-11-07. Review status: criteria provided, single submitter. Criteria: Invitae Variant Classification Sherloc (09022015). Collection method: clinical testing. Allele origin: germline.
Comment: This sequence change creates a premature translational stop signal (p.Asn371Metfs*84) in the HADHB gene. While this is not anticipated to result in nonsense mediated decay, it is expected to disrupt the last 104 amino acid(s) of the HADHB protein. This variant is not present in population databases (gnomAD no frequency). This variant has not been reported in the literature in individuals affected with HADHB-related conditions. ClinVar contains an entry for this variant (Variation ID: 2675993). This variant disrupts a region of the HADHB protein in which other variant(s) (p.Asn389Asp) have been determined to be pathogenic (PMID: 17143551, 21549624). This suggests that this is a clinically significant region of the protein, and that variants that disrupt it are likely to be disease-causing. For these reasons, this variant has been classified as Pathogenic.

Baylor Genetics
Classification: Likely pathogenic for Mitochondrial trifunctional protein deficiency 1. Last evaluated: 2023-04-24. Review status: criteria provided, single submitter. Criteria: ACMG Guidelines, 2015. Collection method: clinical testing. Allele origin: unknown.

Literature cited by the submitters: PubMed 17143551 (cited by Labcorp Genetics (formerly Invitae), Labcorp); PubMed 21549624 (cited by Labcorp Genetics (formerly Invitae), Labcorp).

NM_000183.3(HADHB):c.1112del (p.Asn371fs)

Gene: HADHB (hydroxyacyl-CoA dehydrogenase trifunctional multienzyme complex subunit beta; plus strand). Cytogenetic location: 2p23.3.
Variant type: Deletion.
Coding change: c.1112del on transcript NM_000183.3 (MANE Select); coding-DNA position 1112, one base deleted (A; older notation c.1112delA).
Protein change: p.Asn371fs; shifts the reading frame from asparagine 371.
Molecular consequence: frameshift variant.
Genome position (GRCh38, 1-based): chr2:26,284,167, A deleted; the last of 2 consecutive A bases (chr2:26,284,166-26,284,167); deleting either gives the same sequence. VCF-style (leftmost placement, unchanged base first): chr2-26284165-GA-G. GRCh37 (hg19) VCF-style: chr2-26507033-GA-G.
Other names: c.1067del, p.Asn356fs (NM_001281512.2); c.1046del, p.Asn349fs (NM_001281513.2); short protein forms N349fs, N356fs, N371fs.
Identifiers: ClinVar variation 2675993 (VCV002675993.3), dbSNP rs1672918134, ClinGen allele CA1239745271.